The following is an entry in ClinVar:

ClinVar aggregate classification (germline): Uncertain significance (1 of 4 stars; one submission).

Conditions:
Peroxisome biogenesis disorder 6A (Zellweger). Also called: Peroxisome biogenesis disorder 6A. Identifiers: Orphanet 912, MedGen C3553947, MONDO:0013936, OMIM 614870.

Submission:

Baylor Genetics
Classification: Uncertain significance for Peroxisome biogenesis disorder 6A (Zellweger). Last evaluated: 2018-12-22. Review status: criteria provided, single submitter. Criteria: ACMG Guidelines, 2015. Collection method: clinical testing. Allele origin: paternal. Affected: yes.
Comment: This variant was determined to be of uncertain significance according to ACMG Guidelines, 2015 [PMID:25741868].

NM_002617.4(PEX10):c.581G>A (p.Arg194Lys)

Gene: PEX10 (peroxisomal biogenesis factor 10; minus strand). Cytogenetic location: 1p36.32.
Variant type: single nucleotide variant.
Coding change: c.581G>A on transcript NM_002617.4 (MANE Select); coding-DNA position 581, G replaced by A.
Protein change: p.Arg194Lys; replaces arginine 194 with lysine.
Molecular consequence: missense variant. On other transcripts: non-coding transcript variant (1).
Genome position (GRCh38, 1-based): chr1:2,408,471, C>T on the plus strand (G>A on the coding strand, the complement: PEX10 is on the minus strand). VCF-style: chr1-2408471-C-T. GRCh37 (hg19) VCF-style: chr1-2339910-C-T.
Other names: c.581G>A, p.Arg194Lys (NM_001374425.1, NM_153818.2); c.149G>A, p.Arg50Lys (NM_001374426.1, NM_001374427.1); short protein forms R50K, R194K.
Identifiers: ClinVar variation 1033177 (VCV001033177.1), dbSNP rs1643079834, ClinGen allele CA337986920.